The following is an entry in ClinVar:

ClinVar aggregate classification (germline): Pathogenic. Review status: criteria provided, multiple submitters, no conflicts (2 of 4 stars). 4 submissions from 4 submitters: Pathogenic (4). Last evaluated 2025-05-12.

Conditions:
Glycogen storage disease, type V (GSD5). Also called: McArdle type glycogen storage disease; MCARDLE DISEASE; MUSCLE GLYCOGEN PHOSPHORYLASE DEFICIENCY; MYOPHOSPHORYLASE DEFICIENCY; PYGM DEFICIENCY. Identifiers: Orphanet 368, MedGen C0017924, MONDO:0009293, OMIM 232600.

Allele frequency attached by ClinVar (database versions not stated): TOPMed 0.00001.
gnomAD v4.1: 4 of 1,614,064 alleles (0.00025%); highest among the groups gnomAD compares: Admixed American, 0.0067%; no homozygotes.

Submissions (4):

Natera, Inc.
Classification: Pathogenic for Glycogen storage disease V. Last evaluated: 2025-05-12. Review status: criteria provided, single submitter. Criteria: Natera Variant Classification Schema (03/2026). Collection method: clinical testing. Allele origin: germline.
Comment: The c.2199C>G variant in PYGM is a nonsense variant predicted to introduce a stop codon at amino acid 733. This variant is expected to result in nonsense mediated decay, truncation, or a dysfunctional protein product. This variant is rare in the general population with a frequency below the threshold expected for the associated phenotype(s). This variant has been observed in one or more individuals affected with the associated recessive disease, as either homozygous or compound heterozygous with a second variant (PMID: 22250184). Given the available evidence, this variant is classified as Pathogenic.

Myriad Genetics, Inc.
Classification: Pathogenic for Glycogen storage disease, type V. Last evaluated: 2024-05-14. Review status: criteria provided, single submitter. Criteria: Myriad Autosomal Dominant, Autosomal Recessive and X-Linked Classification Criteria (2023). Collection method: clinical testing. Allele origin: unknown.
Comment: NM_005609.2(PYGM):c.2199C>G(Y733*) is expected to be pathogenic in the context of glycogen storage disease, PYGM-related. This variant is predicted to lead to an abnormal or absent protein product due to the creation of a premature termination codon in PYGM, a gene where loss-of-function variants are known to be pathogenic. Please note: this variant was assessed in the context of healthy population screening.

Baylor Genetics
Classification: Pathogenic for Glycogen storage disease, type V. Last evaluated: 2023-03-23. Review status: criteria provided, single submitter. Criteria: ACMG Guidelines, 2015. Collection method: clinical testing. Allele origin: unknown.

Labcorp Genetics (formerly Invitae), Labcorp
Classification: Pathogenic for Glycogen storage disease, type V. Last evaluated: 2022-06-08. Review status: criteria provided, single submitter. Criteria: Invitae Variant Classification Sherloc (09022015). Collection method: clinical testing. Allele origin: germline.
Comment: This premature translational stop signal has been observed in individual(s) with McArdle's disease (PMID: 21802952). This variant is present in population databases (rs140102591, gnomAD 0.009%). This sequence change creates a premature translational stop signal (p.Tyr733*) in the PYGM gene. It is expected to result in an absent or disrupted protein product. Loss-of-function variants in PYGM are known to be pathogenic (PMID: 8316268, 16786513). ClinVar contains an entry for this variant (Variation ID: 941671). For these reasons, this variant has been classified as Pathogenic.

Literature cited by the submitters: PubMed 22250184 (cited by Natera, Inc.); PubMed 21802952 (cited by Labcorp Genetics (formerly Invitae), Labcorp); PubMed 8316268 (cited by Labcorp Genetics (formerly Invitae), Labcorp); PubMed 16786513 (cited by Labcorp Genetics (formerly Invitae), Labcorp).

NM_005609.4(PYGM):c.2199C>G (p.Tyr733Ter)

Gene: PYGM (glycogen phosphorylase, muscle associated; minus strand). Cytogenetic location: 11q13.1.
Variant type: single nucleotide variant.
Coding change: c.2199C>G on transcript NM_005609.4 (MANE Select); coding-DNA position 2199, C replaced by G.
Protein change: p.Tyr733Ter; replaces tyrosine 733 with a stop codon.
Molecular consequence: nonsense.
Genome position (GRCh38, 1-based): chr11:64,747,337, G>C on the plus strand (C>G on the coding strand, the complement: PYGM is on the minus strand). VCF-style: chr11-64747337-G-C. GRCh37 (hg19) VCF-style: chr11-64514809-G-C.
Other names: c.1935C>G, p.Tyr645Ter (NM_001164716.1); short protein forms Y645*, Y733*.
Identifiers: ClinVar variation 941671 (VCV000941671.12), dbSNP rs140102591, ClinGen allele CA6079603.